The following is an entry in ClinVar:

ClinVar aggregate classification (germline): Benign. Review status: criteria provided, multiple submitters, no conflicts (2 of 4 stars). 5 submissions from 5 submitters: Benign (4). 1 of the submissions does not count toward it. Last evaluated 2026-02-04.

Conditions:
Progressive pseudorheumatoid dysplasia (PPRD). Also called: Progressive Pseudorheumatoid Arthropathy of Childhood; SPONDYLOEPIPHYSEAL DYSPLASIA TARDA WITH PROGRESSIVE ARTHROPATHY. Identifiers: Orphanet 1159, MedGen C0432215, MONDO:0008827, OMIM 208230. Disease mechanism: loss of function.
CCN6-related disorder. Also called: CCN6-related condition.

Allele frequency attached by ClinVar (database versions not stated): gnomAD exomes 0.00136 and 0.00380; ExAC 0.00475; gnomAD 0.01492 and 0.01588; TOPMed 0.01582; ESP Exome Variant Server 0.01638; 1000 Genomes Project 0.01737; 1000 Genomes Project 30x 0.01796.
gnomAD v4.1: 4,337 of 1,614,126 alleles (0.27%); highest among the groups gnomAD compares: African/African-American, 5.2%; 112 homozygotes.

Submissions (5):

Labcorp Genetics (formerly Invitae), Labcorp
Classification: Benign. Last evaluated: 2026-02-04. Review status: criteria provided, single submitter. Criteria: Invitae Variant Classification Sherloc (09022015). Collection method: clinical testing. Allele origin: germline.

ARUP Laboratories, Molecular Genetics and Genomics, ARUP Laboratories
Classification: Benign for Progressive pseudorheumatoid dysplasia. Last evaluated: 2024-10-28. Review status: criteria provided, single submitter. Criteria: ARUP Molecular Germline Variant Investigation Process 2024. Collection method: clinical testing. Allele origin: germline.

GeneDx
Classification: Benign. Last evaluated: 2021-05-06. Review status: criteria provided, single submitter. Criteria: GeneDx Variant Classification Process June 2021. Collection method: clinical testing. Allele origin: germline. Affected: yes.

Illumina Laboratory Services, Illumina
Classification: Benign for Progressive pseudorheumatoid dysplasia. Last evaluated: 2018-01-12. Review status: criteria provided, single submitter. Criteria: ICSL Variant Classification Criteria 13 December 2019. Collection method: clinical testing. Allele origin: germline.
Comment: This variant was observed in the ICSL laboratory as part of a predisposition screen in an ostensibly healthy population. It had not been previously curated by ICSL or reported in the Human Gene Mutation Database (HGMD: prior to June 1st, 2018), and was therefore a candidate for classification through an automated scoring system. Utilizing variant allele frequency, disease prevalence and penetrance estimates, and inheritance mode, an automated score was calculated to assess if this variant is too frequent to cause the disease. Based on the score and internal cut-off values, a variant classified as benign is not then subjected to further curation. The score for this variant resulted in a classification of benign for this disease.

PreventionGenetics, part of Exact Sciences
Classification: Benign for CCN6-related condition. Last evaluated: 2019-08-16. Review status: no assertion criteria provided. Collection method: clinical testing. Allele origin: germline. Not counted in ClinVar's aggregate classification.
Comment: This variant is classified as benign based on ACMG/AMP sequence variant interpretation guidelines (Richards et al. 2015 PMID: 25741868, with internal and published modifications).

NM_198239.2(CCN6):c.237C>T (p.Ala79=)

Gene: CCN6 (cellular communication network factor 6; plus strand). Cytogenetic location: 6q21.
Variant type: single nucleotide variant.
Coding change: c.237C>T on transcript NM_198239.2 (MANE Select); coding-DNA position 237, C replaced by T.
Protein change: p.Ala79=; no amino-acid change (alanine 79 retained).
Molecular consequence: synonymous variant. On other transcripts: non-coding transcript variant (2).
Genome position (GRCh38, 1-based): chr6:112,061,179, C>T. VCF-style: chr6-112061179-C-T. GRCh37 (hg19) VCF-style: chr6-112382382-C-T.
Other names: c.237C>T, p.Ala79= (NM_003880.4).
Identifiers: ClinVar variation 355063 (VCV000355063.20), dbSNP rs112665393, ClinGen allele CA3963942.